The following is an entry in ClinVar:

NM_001270508.2(TNFAIP3):c.2273C>T (p.Pro758Leu)

Gene: TNFAIP3 (TNF alpha induced protein 3; plus strand). Cytogenetic location: 6q23.3.
Variant type: single nucleotide variant.
Coding change: c.2273C>T on transcript NM_001270508.2 (MANE Select); coding-DNA position 2273, C replaced by T.
Protein change: p.Pro758Leu; replaces proline 758 with leucine.
Molecular consequence: missense variant.
Genome position (GRCh38, 1-based): chr6:137,881,219, C>T. VCF-style: chr6-137881219-C-T. GRCh37 (hg19) VCF-style: chr6-138202356-C-T.
Other names: c.2273C>T, p.Pro758Leu (NM_001270507.2, NM_006290.4); short protein forms P758L.
Identifiers: ClinVar variation 1042531 (VCV001042531.9), dbSNP rs377038705, ClinGen allele CA4019834.

ClinVar aggregate classification (germline): Uncertain significance. Review status: criteria provided, multiple submitters, no conflicts (2 of 4 stars). 2 submissions from 2 submitters: Uncertain significance (2). Last evaluated 2025-12-28.

Allele frequency attached by ClinVar (database versions not stated): TOPMed 0.00001.
gnomAD v4.1: 113 of 1,611,474 alleles (0.007%); highest among the groups gnomAD compares: Non-Finnish European, 0.0092%; no homozygotes.

Submissions (2):

Labcorp Genetics (formerly Invitae), Labcorp
Classification: Uncertain significance. Last evaluated: 2025-12-28. Review status: criteria provided, single submitter. Criteria: Invitae Variant Classification Sherloc (09022015). Collection method: clinical testing. Allele origin: germline.
Comment: This sequence change replaces proline, which is neutral and non-polar, with leucine, which is neutral and non-polar, at codon 758 of the TNFAIP3 protein (p.Pro758Leu). This variant is present in population databases (rs377038705, gnomAD 0.004%). This variant has not been reported in the literature in individuals affected with TNFAIP3-related conditions. ClinVar contains an entry for this variant (Variation ID: 1042531). An algorithm developed to predict the effect of missense changes on protein structure and function (PolyPhen-2) suggests that this variant is likely to be disruptive. In summary, the available evidence is currently insufficient to determine the role of this variant in disease. Therefore, it has been classified as a Variant of Uncertain Significance.

Blueprint Genetics
Classification: Uncertain significance. Last evaluated: 2024-05-31. Review status: criteria provided, single submitter. Criteria: ACMG Guidelines, 2015. Collection method: clinical testing. Allele origin: germline.